The following is an entry in ClinVar:

NM_001082971.2(DDC):c.1041+8G>A

Gene: DDC (dopa decarboxylase; minus strand). Cytogenetic location: 7p12.2.
Variant type: single nucleotide variant.
Coding change: c.1041+8G>A on transcript NM_001082971.2 (MANE Select); 8 bases into the intron after coding-DNA position 1041, G replaced by A.
Molecular consequence: intron variant.
Genome position (GRCh38, 1-based): chr7:50,476,616, C>T on the plus strand (G>A on the coding strand, the complement: DDC is on the minus strand). VCF-style: chr7-50476616-C-T. GRCh37 (hg19) VCF-style: chr7-50544314-C-T.
Other names: p.?; c.807+8G>A (NM_001242888.2); c.927+8G>A (NM_001242886.2); c.762+8G>A (NM_001242889.2); c.897+8G>A (NM_001242887.2); c.1041+8G>A (NM_000790.4).
Identifiers: ClinVar variation 360432 (VCV000360432.21), dbSNP rs4490786, ClinGen allele CA4262093.
Genomic context (GRCh38, chr7:50,476,616, plus strand): 5'-TGACAGCTGTGGCGTAGCCCCCCAGCACTCCACTAGCATTTGAGATTACAGTGGAATCTC[C>T]CACTTACCCGGTAGTCAGTGATAAGCCCTGGAGAAAAGAGAAAGAAAAAGAAAAAAGAAA-3'

ClinVar aggregate classification (germline): Benign/Likely benign. Review status: criteria provided, multiple submitters, no conflicts (2 of 4 stars). 8 submissions from 8 submitters: Benign (7); Likely benign (1). Last evaluated 2026-02-04.

Conditions:
Deficiency of aromatic-L-amino-acid decarboxylase. Also called: AADC DEFICIENCY; DDC DEFICIENCY; DOPA DECARBOXYLASE DEFICIENCY; Aromatic amino acid decarboxylase deficiency; Aromatic L-Amino Acid Decarboxylase Deficiency. Identifiers: Orphanet 35708, MedGen C1291564, MONDO:0012084, OMIM 608643.

Allele frequency attached by ClinVar (database versions not stated): 1000 Genomes Project 30x 0.19800; 1000 Genomes Project 0.19828; gnomAD exomes 0.20888; ExAC 0.20890; ESP Exome Variant Server 0.20952; TOPMed 0.21080; gnomAD 0.21231 and 0.21464.
gnomAD v4.1: 338,374 of 1,608,232 alleles (21%); highest among the groups gnomAD compares: Admixed American, 23%; 36,358 homozygotes.

Submissions (9):

Labcorp Genetics (formerly Invitae), Labcorp
Classification: Benign for Deficiency of aromatic-L-amino-acid decarboxylase. Last evaluated: 2026-02-04. Review status: criteria provided, single submitter. Criteria: Invitae Variant Classification Sherloc (09022015). Collection method: clinical testing. Allele origin: germline.

Blueprint Genetics
Classification: Likely benign. Last evaluated: 2024-11-27. Review status: criteria provided, single submitter. Criteria: ACMG Guidelines, 2015. Collection method: clinical testing. Allele origin: germline.

Unidad de Genómica Garrahan, Hospital de Pediatría Garrahan
Classification: Benign. Last evaluated: 2024-07-31. Review status: criteria provided, single submitter. Criteria: ACMG Guidelines, 2015. Collection method: clinical testing. Allele origin: germline. Affected: no. Observed: 38 variant alleles.
Comment: This variant is classified as Benign based on local population frequency. This variant was detected in 41% of patients studied in a panel designed for Epileptic and Developmental Encephalopathy, Progressive Myoclonus Epilepsy and Abnormal Movements and Neurodegeneration with brain iron accumulation. Number of patients: 38. Only high quality variants are reported.

Mayo Clinic Laboratories, Mayo Clinic
Classification: Benign. Last evaluated: 2022-04-14. Review status: criteria provided, single submitter. Criteria: ACMG Guidelines, 2015. Collection method: clinical testing. Allele origin: germline. Observed: 334 variant alleles.

Genome-Nilou Lab
Classification: Benign for Deficiency of aromatic-L-amino-acid decarboxylase. Last evaluated: 2021-07-30. Review status: criteria provided, single submitter. Criteria: ACMG Guidelines, 2015. Collection method: clinical testing. Allele origin: germline. Affected: no.

Illumina Laboratory Services, Illumina
Classification: Benign for Deficiency of aromatic-L-amino-acid decarboxylase. Last evaluated: 2018-01-13. Review status: criteria provided, single submitter. Criteria: ICSL Variant Classification Criteria 13 December 2019. Collection method: clinical testing. Allele origin: germline.
Comment: This variant was observed in the ICSL laboratory as part of a predisposition screen in an ostensibly healthy population. It had not been previously curated by ICSL or reported in the Human Gene Mutation Database (HGMD: prior to June 1st, 2018), and was therefore a candidate for classification through an automated scoring system. Utilizing variant allele frequency, disease prevalence and penetrance estimates, and inheritance mode, an automated score was calculated to assess if this variant is too frequent to cause the disease. Based on the score and internal cut-off values, a variant classified as benign is not then subjected to further curation. The score for this variant resulted in a classification of benign for this disease.

GeneDx
Classification: Benign. Last evaluated: 2016-10-04. Review status: criteria provided, single submitter. Criteria: GeneDx Variant Classification (06012015). Collection method: clinical testing. Allele origin: germline. Affected: yes.
Comment: This variant is considered likely benign or benign based on one or more of the following criteria: it is a conservative change, it occurs at a poorly conserved position in the protein, it is predicted to be benign by multiple in silico algorithms, and/or has population frequency not consistent with disease.

Breakthrough Genomics
Classification: Benign. Review status: criteria provided, single submitter. Criteria: ACMG Guidelines, 2015. Collection method: not provided. Allele origin: germline. Inheritance: Autosomal recessive inheritance. Affected: yes.

Dr. Peter K. Rogan Lab, Western University
No classification provided (evidence only). Condition: Uterine carcinosarcoma. Review status: no classification provided. Collection method: in vitro. Allele origin: not applicable. Functional consequence: retained intron. Not counted in ClinVar's aggregate classification.